The following is an entry in ClinVar:

ClinVar aggregate classification (germline): Likely pathogenic (1 of 4 stars; one submission).

Conditions:
Dilated cardiomyopathy 1G (CMD1G). Identifiers: Orphanet 154, MedGen C1858763, MONDO:0011400, OMIM 604145.
Autosomal recessive limb-girdle muscular dystrophy type 2J (LGMDR10). Also called: Limb-girdle muscular dystrophy, type 2J; MUSCULAR DYSTROPHY, LIMB-GIRDLE, AUTOSOMAL RECESSIVE 10. Identifiers: Orphanet 140922, MedGen C1837342, MONDO:0012127, OMIM 608807.

Submission:

Labcorp Genetics (formerly Invitae), Labcorp
Classification: Likely pathogenic for Dilated cardiomyopathy 1G; Autosomal recessive limb-girdle muscular dystrophy type 2J. Last evaluated: 2024-05-22. Review status: criteria provided, single submitter. Criteria: Invitae Variant Classification Sherloc (09022015). Collection method: clinical testing. Allele origin: germline.
Comment: This sequence change creates a premature translational stop signal (p.Pro17096Tyrfs*14) in the TTN gene. While this is not anticipated to result in nonsense mediated decay, it is expected to create a truncated TTN protein. This variant is not present in population databases (gnomAD no frequency). This premature translational stop signal has been observed in individual(s) with TTN-related conditions (PMID: 32969603). This variant is located in the A band of TTN (PMID: 25589632). Truncating variants in this region are significantly overrepresented in patients affected with dilated cardiomyopathy (PMID: 25589632). Truncating variants in this region have also been reported in individuals affected with autosomal recessive centronuclear myopathy (PMID: 23975875). In summary, the currently available evidence indicates that the variant is pathogenic, but additional data are needed to prove that conclusively. Therefore, this variant has been classified as Likely Pathogenic.

Literature cited by the submitters: PubMed 32969603; PubMed 25589632; PubMed 23975875.

NM_001267550.2(TTN):c.51284_51285dup (p.Pro17096fs)

Genes: TTN-AS1 (TTN antisense RNA 1; plus strand), TTN (titin; minus strand). Cytogenetic location: 2q31.2.
Variant type: Microsatellite.
Coding change: c.51284_51285dup on transcript NM_001267550.2 (MANE Select); coding-DNA positions 51284 to 51285, 2 bases duplicated (TA; older notation c.51284_51285dupTA).
Protein change: p.Pro17096fs; shifts the reading frame from proline 17096.
Molecular consequence: frameshift variant.
Genome position (GRCh38, 1-based): chr2:178,610,241-178,610,242, TA duplicated on the plus strand (TA on the coding strand, the reverse complement: TTN is on the minus strand); duplicating any 2 consecutive bases within chr2:178,610,241-178,610,247 gives the same sequence; the c. name uses the placement nearest the transcript's 3' end. VCF-style (leftmost placement, unchanged base first): chr2-178610240-G-GTA. GRCh37 (hg19) VCF-style: chr2-179474967-G-GTA.
Other names: c.46361_46362dup, p.Pro15455fs (NM_001256850.1); c.24089_24090dup, p.Pro8031fs (NM_003319.4); c.43580_43581dup, p.Pro14528fs (NM_133378.4); c.24464_24465dup, p.Pro8156fs (NM_133432.3); c.24665_24666dup, p.Pro8223fs (NM_133437.4); short protein forms P14528fs, P15455fs, P17096fs, P8031fs, P8156fs, P8223fs.
Identifiers: ClinVar variation 3749623 (VCV003749623.2).
Genomic context (GRCh38, chr2:178,610,240, plus strand): 5'-CACCATTTGGTATGAGATCCTTCACAGTCCATGACAGTTTGTTCTCACCAGACATGACTG[G>GTA]TATATATGTTCTCCTCCCAGCTTCTCTGCGCTCCAGGACATAATGAAGAATTGGGGTTCC-3'